The following is an entry in ClinVar:

NM_001848.3(COL6A1):c.957+4A>T

Gene: COL6A1 (collagen type VI alpha 1 chain; plus strand). Cytogenetic location: 21q22.3.
Variant type: single nucleotide variant.
Coding change: c.957+4A>T on transcript NM_001848.3 (MANE Select); 4 bases into the intron after coding-DNA position 957, A replaced by T.
Molecular consequence: intron variant.
Genome position (GRCh38, 1-based): chr21:45,990,288, A>T. VCF-style: chr21-45990288-A-T. GRCh37 (hg19) VCF-style: chr21-47410202-A-T.
Identifiers: ClinVar variation 2088112 (VCV002088112.4), dbSNP rs2526323169, ClinGen allele CA2580098936.

ClinVar aggregate classification (germline): Uncertain significance (1 of 4 stars; one submission).

Conditions:
Bethlem myopathy 1A. Also called: MYOPATHY, BENIGN CONGENITAL, WITH CONTRACTURES; Bethlem myopathy 1; Bethlem Muscular Dystrophy. Identifiers: Orphanet 610, MedGen CN029274, MONDO:0024530, OMIM 158810.

Submission:

Labcorp Genetics (formerly Invitae), Labcorp
Classification: Uncertain significance for Bethlem myopathy 1A. Last evaluated: 2022-08-09. Review status: criteria provided, single submitter. Criteria: Invitae Variant Classification Sherloc (09022015). Collection method: clinical testing. Allele origin: germline.
Comment: In summary, the available evidence is currently insufficient to determine the role of this variant in disease. Therefore, it has been classified as a Variant of Uncertain Significance. Variants that disrupt the consensus splice site are a relatively common cause of aberrant splicing (PMID: 17576681, 9536098). Algorithms developed to predict the effect of sequence changes on RNA splicing suggest that this variant may disrupt the consensus splice site. This variant has not been reported in the literature in individuals affected with COL6A1-related conditions. This variant is not present in population databases (gnomAD no frequency). This sequence change falls in intron 12 of the COL6A1 gene. It does not directly change the encoded amino acid sequence of the COL6A1 protein. It affects a nucleotide within the consensus splice site.

Literature cited by the submitters: PubMed 17576681; PubMed 9536098.